The following is an entry in ClinVar:

NM_005068.3(SIM1):c.1627A>G (p.Ser543Gly)

Gene: SIM1 (SIM bHLH transcription factor 1; minus strand). Cytogenetic location: 6q16.3.
Variant type: single nucleotide variant.
Coding change: c.1627A>G on transcript NM_005068.3 (MANE Select); coding-DNA position 1627, A replaced by G.
Protein change: p.Ser543Gly; replaces serine 543 with glycine.
Molecular consequence: missense variant.
Genome position (GRCh38, 1-based): chr6:100,391,035, T>C on the plus strand (A>G on the coding strand, the complement: SIM1 is on the minus strand). VCF-style: chr6-100391035-T-C. GRCh37 (hg19) VCF-style: chr6-100838911-T-C.
Other names: c.1627A>G, p.Ser543Gly (NM_001374769.1); short protein forms S543G.
Identifiers: ClinVar variation 3350540 (VCV003350540.2).

ClinVar aggregate classification (germline): Uncertain significance (1 of 4 stars; one submission).

Conditions:
SIM1-related disorder. Also called: SIM1-related condition; SIM1-related disorders.

gnomAD v4.1: 47 of 1,613,982 alleles (0.0029%); highest among the groups gnomAD compares: Non-Finnish European, 0.0038%; no homozygotes.

Submission:

PreventionGenetics, part of Exact Sciences
Classification: Uncertain significance for SIM1-related condition. Last evaluated: 2025-06-10. Review status: criteria provided, single submitter. Criteria: ACMG Guidelines, 2015. Collection method: clinical testing. Allele origin: germline.
Comment: The SIM1 c.1627A>G variant is predicted to result in the amino acid substitution p.Ser543Gly. To our knowledge, this variant has not been reported in the literature. This variant is reported in 0.0044% of alleles in individuals of European (Non-Finnish) descent in gnomAD. At this time, the clinical significance of this variant is uncertain due to the absence of conclusive functional and genetic evidence.